The following is an entry in ClinVar:

NR_003051.4(RMRP):n.90G>A

Gene: RMRP (RNA component of mitochondrial RNA processing endoribonuclease; minus strand). Cytogenetic location: 9p13.3.
Variant type: single nucleotide variant.
Genome position: GRCh38 VCF-style: chr9-35657930-C-T. GRCh37 (hg19) VCF-style: chr9-35657927-C-T.
Identifiers: ClinVar variation 967326 (VCV000967326.11), dbSNP rs780957606, ClinGen allele CA192745651.

ClinVar aggregate classification (germline): Uncertain significance. Review status: criteria provided, single submitter (1 of 4 stars). 2 submissions from 2 submitters: Uncertain significance (1). 1 of the submissions does not count toward it. Last evaluated 2022-08-21.

Conditions:
Anauxetic dysplasia. Identifiers: Orphanet 93347, MedGen C1846796, MONDO:0011773.
Metaphyseal chondrodysplasia, McKusick type (CHH). Also called: Cartilage-hair hypoplasia; Cartilage-Hair Hypoplasia (CHH). Identifiers: Orphanet 175, MedGen C0220748, MONDO:0009595, OMIM 250250.

Allele frequency attached by ClinVar (database versions not stated): gnomAD exomes 0.00001; TOPMed 0.00009; gnomAD 0.00011 and 0.00012.
gnomAD v4.1: 44 of 700,300 alleles (0.0063%); highest among the groups gnomAD compares: Non-Finnish European, 0.0088%; no homozygotes.

Submissions (2):

Labcorp Genetics (formerly Invitae), Labcorp
Classification: Uncertain significance for Anauxetic dysplasia. Last evaluated: 2022-08-21. Review status: criteria provided, single submitter. Criteria: Invitae Variant Classification Sherloc (09022015). Collection method: clinical testing. Allele origin: germline.
Comment: This variant occurs in the RMRP gene, which encodes an RNA molecule that does not result in a protein product. This variant is present in population databases (rs780957606, gnomAD 0.008%). This variant has not been reported in the literature in individuals affected with RMRP-related conditions. ClinVar contains an entry for this variant (Variation ID: 967326). Experimental studies and prediction algorithms are not available or were not evaluated, and the functional significance of this variant is currently unknown. In summary, the available evidence is currently insufficient to determine the role of this variant in disease. Therefore, it has been classified as a Variant of Uncertain Significance.

Natera, Inc.
Classification: Uncertain significance for Cartilage-hair hypoplasia. Last evaluated: 2020-01-17. Review status: no assertion criteria provided. Collection method: clinical testing. Allele origin: germline. Not counted in ClinVar's aggregate classification.